The following is an entry in ClinVar:

ClinVar aggregate classification (germline): Likely benign (0 of 4 stars; one submission).

Conditions:
CARMIL2-related disorder. Also called: CARMIL2-related condition.

gnomAD v4.1: 2 of 1,614,016 alleles (0.00012%); highest among the groups gnomAD compares: Non-Finnish European, 0.00017%; no homozygotes.

Submission:

PreventionGenetics, part of Exact Sciences
Classification: Likely benign for CARMIL2-related condition. Last evaluated: 2019-05-01. Review status: no assertion criteria provided. Collection method: clinical testing. Allele origin: germline.
Comment: This variant is classified as likely benign based on ACMG/AMP sequence variant interpretation guidelines (Richards et al. 2015 PMID: 25741868, with internal and published modifications).

NM_001013838.3(CARMIL2):c.3795C>T (p.Arg1265=)

Gene: CARMIL2 (capping protein regulator and myosin 1 linker 2; plus strand). Cytogenetic location: 16q22.1.
Variant type: single nucleotide variant.
Coding change: c.3795C>T on transcript NM_001013838.3 (MANE Select); coding-DNA position 3795, C replaced by T.
Protein change: p.Arg1265=; no amino-acid change (arginine 1265 retained).
Molecular consequence: synonymous variant.
Genome position (GRCh38, 1-based): chr16:67,656,280, C>T. VCF-style: chr16-67656280-C-T. GRCh37 (hg19) VCF-style: chr16-67690183-C-T.
Other names: c.3687C>T, p.Arg1229= (NM_001317026.3).
Identifiers: ClinVar variation 3037225 (VCV003037225.2), dbSNP rs1261009333, ClinGen allele CA495997525.